The following is an entry in ClinVar:

ClinVar aggregate classification (germline): Conflicting classifications of pathogenicity. Review status: criteria provided, conflicting classifications (1 of 4 stars). 3 submissions from 3 submitters: Uncertain significance (1); Benign (1). 1 of the submissions does not count toward it. Last evaluated 2025-11-15.

Conditions:
FAT1-related disorder. Also called: FAT1-related condition.

Allele frequency attached by ClinVar (database versions not stated): gnomAD exomes 0.00019; ExAC 0.00063; gnomAD 0.00194; 1000 Genomes Project 0.00220; TOPMed 0.00221; 1000 Genomes Project 30x 0.00234; ESP Exome Variant Server 0.00256.
gnomAD v4.1: 582 of 1,614,032 alleles (0.036%); highest among the groups gnomAD compares: African/African-American, 0.72%; 2 homozygotes.

Submissions (3):

Labcorp Genetics (formerly Invitae), Labcorp
Classification: Benign. Last evaluated: 2025-11-15. Review status: criteria provided, single submitter. Criteria: Invitae Variant Classification Sherloc (09022015). Collection method: clinical testing. Allele origin: germline.

GeneDx
Classification: Uncertain significance. Last evaluated: 2022-10-31. Review status: criteria provided, single submitter. Criteria: GeneDx Variant Classification Process June 2021. Collection method: clinical testing. Allele origin: germline. Affected: yes.
Comment: In silico analysis supports that this missense variant does not alter protein structure/function; Has not been previously published as pathogenic or benign to our knowledge

PreventionGenetics, part of Exact Sciences
Classification: Benign for FAT1-related condition. Last evaluated: 2019-08-12. Review status: no assertion criteria provided. Collection method: clinical testing. Allele origin: germline. Not counted in ClinVar's aggregate classification.
Comment: This variant is classified as benign based on ACMG/AMP sequence variant interpretation guidelines (Richards et al. 2015 PMID: 25741868, with internal and published modifications).

NM_005245.4(FAT1):c.6361A>G (p.Lys2121Glu)

Gene: FAT1 (FAT atypical cadherin 1; minus strand). Cytogenetic location: 4q35.2.
Variant type: single nucleotide variant.
Coding change: c.6361A>G on transcript NM_005245.4 (MANE Select); coding-DNA position 6361, A replaced by G.
Protein change: p.Lys2121Glu; replaces lysine 2121 with glutamic acid.
Molecular consequence: missense variant.
Genome position (GRCh38, 1-based): chr4:186,620,225, T>C on the plus strand (A>G on the coding strand, the complement: FAT1 is on the minus strand). VCF-style: chr4-186620225-T-C. GRCh37 (hg19) VCF-style: chr4-187541379-T-C.
Other names: c.6361A>G (NM_005245.3); short protein forms K2121E.
Identifiers: ClinVar variation 2043407 (VCV002043407.7), dbSNP rs202080269, ClinGen allele CA3166266.
Genomic context (GRCh38, chr4:186,620,225, plus strand): 5'-ATTGCTTTTTCAGTGAAATTTCACCCAAGGGTCCAATTTGAAAGTGTTCATGATGTTCCT[T>C]GAGGTAGTAATGCACTTCCCCGTTTCTGCCACTGTCTCTGTCTACAGCAGTGACATAGCG-3'
Protein context (NP_005236.2, residues 2111-2131): GRNGEVHYYL[Lys2121Glu]EHHEHFQIGP